The following is an entry in ClinVar:

GRCh38/hg38 5q23.3(chr5:128441672-128565049)x1

Genes: FBN2 (fibrillin 2; minus strand), LOC123497965 (Sharpr-MPRA regulatory region 657; plus strand). Cytogenetic location: 5q23.3.
Variant type: copy number loss.
Change: copy number 1 (one copy instead of two) of chr5:128,441,672-128,565,049 (123.4 kb, GRCh38 coordinates, 1-based), cytogenetic band 5q23.3.
Identifiers: ClinVar variation 58358 (VCV000058358.2).

ClinVar aggregate classification (germline): Pathogenic (1 of 4 stars; one submission).

Submission:

ISCA Site 6
Classification: Pathogenic. Last evaluated: 2011-08-12. Review status: criteria provided, single submitter. Criteria: Kaminsky et al. (Genet Med. 2011). Collection method: clinical testing. Allele origin: maternal. Affected: yes. Observed: 1 variant allele.
Comment: Copy number variation identified through the course of routine clinical cytogenomic testing in postnatal populations. Clinical assertions have been curated as described in Kaminsky et al. 2011.